The following is an entry in ClinVar:

NM_000051.4(ATM):c.3476C>G (p.Ala1159Gly)

Gene: ATM (ATM serine/threonine kinase; plus strand). Cytogenetic location: 11q22.3.
Variant type: single nucleotide variant.
Coding change: c.3476C>G on transcript NM_000051.4 (MANE Select); coding-DNA position 3476, C replaced by G.
Protein change: p.Ala1159Gly; replaces alanine 1159 with glycine.
Molecular consequence: missense variant.
Genome position (GRCh38, 1-based): chr11:108,281,068, C>G. VCF-style: chr11-108281068-C-G. GRCh37 (hg19) VCF-style: chr11-108151795-C-G.
Other names: c.3476C>G, p.Ala1159Gly (NM_001351834.2); short protein forms A1159G.
Identifiers: ClinVar variation 3720448 (VCV003720448.2).
Genomic context (GRCh38, chr11:108,281,068, plus strand): 5'-AGAACCCTGAAACTTTGGATGAAATTTATAATAGAAAATCTGTTTTACTGACGTTGATAG[C>G]TGTGGTTTTATCCTGTAGCCCTATCTGCGAAAAACAGGCTTTGTTTGCCCTGTGTAAATC-3'
Protein context (NP_000042.3, residues 1149-1169): NRKSVLLTLI[Ala1159Gly]VVLSCSPICE

ClinVar aggregate classification (germline): Uncertain significance (1 of 4 stars; one submission).

Conditions:
Ataxia-telangiectasia syndrome (AT). Also called: ATAXIA-TELANGIECTASIA, COMPLEMENTATION GROUP A; ATAXIA-TELANGIECTASIA, FRESNO VARIANT; Ataxia-telangiectasia; Ataxia-telangiectasia, complementation group E; Ataxia telangiectasia (A-T); LOUIS-BAR SYNDROME. Identifiers: Orphanet 100, MedGen C0004135, MONDO:0008840, OMIM 208900.

Submission:

Labcorp Genetics (formerly Invitae), Labcorp
Classification: Uncertain significance for Ataxia-telangiectasia syndrome. Last evaluated: 2024-12-12. Review status: criteria provided, single submitter. Criteria: Invitae Variant Classification Sherloc (09022015). Collection method: clinical testing. Allele origin: germline.
Comment: This sequence change replaces alanine, which is neutral and non-polar, with glycine, which is neutral and non-polar, at codon 1159 of the ATM protein (p.Ala1159Gly). This variant is not present in population databases (gnomAD no frequency). This variant has not been reported in the literature in individuals affected with ATM-related conditions. Invitae Evidence Modeling of protein sequence and biophysical properties (such as structural, functional, and spatial information, amino acid conservation, physicochemical variation, residue mobility, and thermodynamic stability) indicates that this missense variant is not expected to disrupt ATM protein function with a negative predictive value of 95%. RNA analysis performed to evaluate the impact of this missense change on mRNA splicing indicates it does not significantly alter splicing (internal data). In summary, the available evidence is currently insufficient to determine the role of this variant in disease. Therefore, it has been classified as a Variant of Uncertain Significance.